The following is an entry in ClinVar:

ClinVar aggregate classification (germline): Uncertain significance (1 of 4 stars; one submission).

gnomAD v4.1: 30 of 1,613,844 alleles (0.0019%); highest among the groups gnomAD compares: Non-Finnish European, 0.0024%; no homozygotes.

Submission:

Labcorp Genetics (formerly Invitae), Labcorp
Classification: Uncertain significance. Last evaluated: 2024-10-15. Review status: criteria provided, single submitter. Criteria: Invitae Variant Classification Sherloc (09022015). Collection method: clinical testing. Allele origin: germline.
Comment: This sequence change replaces tyrosine, which is neutral and polar, with phenylalanine, which is neutral and non-polar, at codon 583 of the SLC13A3 protein (p.Tyr583Phe). This variant is present in population databases (rs201204730, gnomAD 0.003%). This variant has not been reported in the literature in individuals affected with SLC13A3-related conditions. ClinVar contains an entry for this variant (Variation ID: 1431291). An algorithm developed to predict the effect of missense changes on protein structure and function (PolyPhen-2) suggests that this variant is likely to be tolerated. In summary, the available evidence is currently insufficient to determine the role of this variant in disease. Therefore, it has been classified as a Variant of Uncertain Significance.

NM_022829.6(SLC13A3):c.1748A>T (p.Tyr583Phe)

Gene: SLC13A3 (solute carrier family 13 member 3; minus strand). Cytogenetic location: 20q13.12.
Variant type: single nucleotide variant.
Coding change: c.1748A>T on transcript NM_022829.6 (MANE Select); coding-DNA position 1748, A replaced by T.
Protein change: p.Tyr583Phe; replaces tyrosine 583 with phenylalanine.
Molecular consequence: missense variant.
Genome position (GRCh38, 1-based): chr20:46,560,083, T>A on the plus strand (A>T on the coding strand, the complement: SLC13A3 is on the minus strand). VCF-style: chr20-46560083-T-A. GRCh37 (hg19) VCF-style: chr20-45188722-T-A.
Other names: c.1607A>T, p.Tyr536Phe (NM_001011554.3); c.1598A>T, p.Tyr533Phe (NM_001193339.2); c.1502A>T, p.Tyr501Phe (NM_001193340.2); c.1454A>T, p.Tyr485Phe (NM_001193342.2); short protein forms Y536F, Y485F, Y583F, Y501F, Y533F.
Identifiers: ClinVar variation 1431291 (VCV001431291.6), dbSNP rs201204730, ClinGen allele CA9891160.